The following is an entry in ClinVar:

NM_001005273.3(CHD3):c.2798_2799del (p.Arg933fs)

Gene: CHD3 (chromodomain helicase DNA binding protein 3; plus strand). Cytogenetic location: 17p13.1.
Variant type: Microsatellite.
Coding change: c.2798_2799del on transcript NM_001005273.3 (MANE Select); coding-DNA positions 2798 to 2799, 2 bases deleted (GA; older notation c.2798_2799delGA).
Protein change: p.Arg933fs; shifts the reading frame from arginine 933.
Molecular consequence: frameshift variant.
Genome position (GRCh38, 1-based): chr17:7,900,405-7,900,406, GA deleted; deleting any 2 consecutive bases within chr17:7,900,400-7,900,406 gives the same sequence; the c. name uses the placement nearest the transcript's 3' end. VCF-style (leftmost placement, unchanged base first): chr17-7900399-CAG-C. GRCh37 (hg19) VCF-style: chr17-7803717-CAG-C.
Other names: c.2975_2976del, p.Arg992fs (NM_001005271.3); c.2798_2799del, p.Arg933fs (NM_005852.4); short protein forms R933fs, R992fs.
Identifiers: ClinVar variation 2572183 (VCV002572183.1), dbSNP rs2544948285, ClinGen allele CA2580613998.
Genomic context (GRCh38, chr17:7,900,399, plus strand): 5'-CAGGAACCCCATTGCAGAATAATCTGGAGGAGCTCTTCCATCTCCTGAACTTCCTCACCC[CAG>C]AGAGATTTAAGTAAGTGGTTCCCTAAGGGTAGTTGGCAGAGATGAGAGGTGGAGCAGATA-3'

ClinVar aggregate classification (germline): Likely pathogenic (1 of 4 stars; one submission).

Conditions:
Snijders Blok-Campeau syndrome. Also called: INTELLECTUAL DEVELOPMENTAL DISORDER WITH MACROCEPHALY, SPEECH DELAY, AND DYSMORPHIC FACIES. Identifiers: Orphanet 599082, MedGen C4748701, MONDO:0032600, OMIM 618205.

Submission:

Greenwood Genetic Center Diagnostic Laboratories, Greenwood Genetic Center
Classification: Likely pathogenic for Snijders Blok-Campeau syndrome. Last evaluated: 2023-04-04. Review status: criteria provided, single submitter. Criteria: ACMG Guidelines, 2015. Collection method: clinical testing. Allele origin: germline. Affected: yes.
Comment: PVS1, PM2